The following is an entry in ClinVar:

NM_000218.3(KCNQ1):c.781-107G>A

Gene: KCNQ1 (potassium voltage-gated channel subfamily Q member 1; plus strand). Cytogenetic location: 11p15.5.
Variant type: single nucleotide variant.
Coding change: c.781-107G>A on transcript NM_000218.3 (MANE Select); 107 bases into the intron before coding-DNA position 781, G replaced by A.
Molecular consequence: intron variant.
Genome position (GRCh38, 1-based): chr11:2,572,739, G>A. VCF-style: chr11-2572739-G-A. GRCh37 (hg19) VCF-style: chr11-2593969-G-A.
Other names: c.511-107G>A (NM_001406837.1); c.781-107G>A (NM_001406836.1); c.478-10696G>A (NM_001406838.1); c.400-107G>A (NM_181798.2).
Identifiers: ClinVar variation 674482 (VCV000674482.4), dbSNP rs113455511, ClinGen allele CA216312387.

ClinVar aggregate classification (germline): Likely benign. Review status: criteria provided, multiple submitters, no conflicts (2 of 4 stars). 2 submissions from 2 submitters: Likely benign (2). Last evaluated 2018-06-19.

Allele frequency attached by ClinVar (database versions not stated): gnomAD exomes 0.00130; 1000 Genomes Project 0.00859; 1000 Genomes Project 30x 0.00874; gnomAD 0.01023 and 0.01115; TOPMed 0.01161.
gnomAD v4.1: 3,315 of 1,440,800 alleles (0.23%); highest among the groups gnomAD compares: African/African-American, 3.5%; 52 homozygotes.

Submissions (2):

GeneDx
Classification: Likely benign. Last evaluated: 2018-06-19. Review status: criteria provided, single submitter. Criteria: GeneDx Variant Classification (06012015). Collection method: clinical testing. Allele origin: germline. Affected: yes.
Comment: This variant is considered likely benign or benign based on one or more of the following criteria: it is a conservative change, it occurs at a poorly conserved position in the protein, it is predicted to be benign by multiple in silico algorithms, and/or has population frequency not consistent with disease.

Breakthrough Genomics
Classification: Likely benign. Review status: criteria provided, single submitter. Criteria: ACMG Guidelines, 2015. Collection method: not provided. Allele origin: germline. Inheritance: Autosomal recessive inheritance. Affected: yes.